The following is an entry in ClinVar:

ClinVar aggregate classification (germline): Uncertain significance (1 of 4 stars; one submission).

Conditions:
Autosomal recessive limb-girdle muscular dystrophy type 2J (LGMDR10). Also called: Limb-girdle muscular dystrophy, type 2J; MUSCULAR DYSTROPHY, LIMB-GIRDLE, AUTOSOMAL RECESSIVE 10. Identifiers: Orphanet 140922, MedGen C1837342, MONDO:0012127, OMIM 608807.
Dilated cardiomyopathy 1G (CMD1G). Identifiers: Orphanet 154, MedGen C1858763, MONDO:0011400, OMIM 604145.

Submission:

Labcorp Genetics (formerly Invitae), Labcorp
Classification: Uncertain significance for Dilated cardiomyopathy 1G; Autosomal recessive limb-girdle muscular dystrophy type 2J. Last evaluated: 2025-07-09. Review status: criteria provided, single submitter. Criteria: Invitae Variant Classification Sherloc (09022015). Collection method: clinical testing. Allele origin: germline.
Comment: This sequence change replaces glycine, which is neutral and non-polar, with serine, which is neutral and polar, at codon 34340 of the TTN protein (p.Gly34340Ser). This variant is not present in population databases (gnomAD no frequency). This variant has not been reported in the literature in individuals affected with TTN-related conditions. ClinVar contains an entry for this variant (Variation ID: 2932918). Experimental studies and prediction algorithms are not available or were not evaluated, and the functional significance of this variant is currently unknown. This variant is located in the M band of TTN (PMID: 25589632). Non-truncating variants in this region may be relevant for neuromuscular disorders, but have not been definitively shown to cause cardiomyopathy (PMID: 23975875). In summary, the available evidence is currently insufficient to determine the role of this variant in disease. Therefore, it has been classified as a Variant of Uncertain Significance.

Literature cited by the submitters: PubMed 25589632; PubMed 23975875.

NM_001267550.2(TTN):c.103018G>A (p.Gly34340Ser)

Genes: TTN (titin; minus strand), TTN-AS1 (TTN antisense RNA 1; plus strand). Cytogenetic location: 2q31.2.
Variant type: single nucleotide variant.
Coding change: c.103018G>A on transcript NM_001267550.2 (MANE Select); coding-DNA position 103018, G replaced by A.
Protein change: p.Gly34340Ser; replaces glycine 34340 with serine.
Molecular consequence: missense variant.
Genome position (GRCh38, 1-based): chr2:178,533,597, C>T on the plus strand (G>A on the coding strand, the complement: TTN is on the minus strand). VCF-style: chr2-178533597-C-T. GRCh37 (hg19) VCF-style: chr2-179398324-C-T.
Other names: c.98095G>A, p.Gly32699Ser (NM_001256850.1); c.75823G>A, p.Gly25275Ser (NM_003319.4); c.95314G>A, p.Gly31772Ser (NM_133378.4); c.76198G>A, p.Gly25400Ser (NM_133432.3); c.76399G>A, p.Gly25467Ser (NM_133437.4); short protein forms G25275S, G25467S, G34340S, G25400S, G31772S, G32699S.
Identifiers: ClinVar variation 2932918 (VCV002932918.3), dbSNP rs2468499938, ClinGen allele CA349415484.
Genomic context (GRCh38, chr2:178,533,597, plus strand): 5'-TACTATCTGTTGGAGGTGGGTGTAGGGTTACTGTCAGCTTTGCTTTACAGCTGTCTTCAC[C>T]ATATTTGTTCCTTGCCACAACAGTATATTCAGCGTCATCATCTGTAGTGACACTGTTGAT-3'
Protein context (NP_001254479.2, residues 34330-34350): EYTVVARNKY[Gly34340Ser]EDSCKAKLTV